The following is an entry in ClinVar:

ClinVar aggregate classification (germline): Uncertain significance (1 of 4 stars; one submission).

gnomAD v4.1: 1 of 1,512,534 alleles (0.000066%); highest among the groups gnomAD compares: Non-Finnish European, 0.000088%; no homozygotes.

Submission:

Labcorp Genetics (formerly Invitae), Labcorp
Classification: Uncertain significance. Last evaluated: 2023-12-11. Review status: criteria provided, single submitter. Criteria: Invitae Variant Classification Sherloc (09022015). Collection method: clinical testing. Allele origin: germline.
Comment: This sequence change replaces proline, which is neutral and non-polar, with threonine, which is neutral and polar, at codon 21 of the EARS2 protein (p.Pro21Thr). This variant is not present in population databases (gnomAD no frequency). This variant has not been reported in the literature in individuals affected with EARS2-related conditions. ClinVar contains an entry for this variant (Variation ID: 2068006). Advanced modeling of protein sequence and biophysical properties (such as structural, functional, and spatial information, amino acid conservation, physicochemical variation, residue mobility, and thermodynamic stability) performed at Invitae indicates that this missense variant is not expected to disrupt EARS2 protein function with a negative predictive value of 95%. In summary, the available evidence is currently insufficient to determine the role of this variant in disease. Therefore, it has been classified as a Variant of Uncertain Significance.

NM_001083614.2(EARS2):c.61C>A (p.Pro21Thr)

Genes: EARS2 (glutamyl-tRNA synthetase 2, mitochondrial; minus strand), LOC130058664 (ATAC-STARR-seq lymphoblastoid active region 10583; plus strand). Cytogenetic location: 16p12.2.
Variant type: single nucleotide variant.
Coding change: c.61C>A on transcript NM_001083614.2 (MANE Select); coding-DNA position 61, C replaced by A.
Protein change: p.Pro21Thr; replaces proline 21 with threonine.
Molecular consequence: missense variant. On other transcripts: non-coding transcript variant (1).
Genome position (GRCh38, 1-based): chr16:23,557,283, G>T on the plus strand (C>A on the coding strand, the complement: EARS2 is on the minus strand). VCF-style: chr16-23557283-G-T. GRCh37 (hg19) VCF-style: chr16-23568604-G-T.
Other names: c.61C>A, p.Pro21Thr (NM_001308211.1); short protein forms P21T.
Identifiers: ClinVar variation 2068006 (VCV002068006.4), dbSNP rs1438310275, ClinGen allele CA395142653.